The following is an entry in ClinVar:

NM_031372.4(HNRNPDL):c.125T>C (p.Leu42Pro)

Gene: HNRNPDL (heterogeneous nuclear ribonucleoprotein D like; minus strand). Cytogenetic location: 4q21.22.
Variant type: single nucleotide variant.
Coding change: c.125T>C on transcript NM_031372.4 (MANE Select); coding-DNA position 125, T replaced by C.
Protein change: p.Leu42Pro; replaces leucine 42 with proline.
Molecular consequence: missense variant. On other transcripts: non-coding transcript variant (1).
Genome position (GRCh38, 1-based): chr4:82,429,566, A>G on the plus strand (T>C on the coding strand, the complement: HNRNPDL is on the minus strand). VCF-style: chr4-82429566-A-G. GRCh37 (hg19) VCF-style: chr4-83350719-A-G.
Other names: c.125T>C, p.Leu42Pro (NM_001207000.1); short protein forms L42P.
Identifiers: ClinVar variation 769287 (VCV000769287.30), dbSNP rs61729823, ClinGen allele CA2985138.

ClinVar aggregate classification (germline): Benign/Likely benign. Review status: criteria provided, multiple submitters, no conflicts (2 of 4 stars). 4 submissions from 4 submitters: Benign (1); Likely benign (2). 1 of the submissions does not count toward it. Last evaluated 2025-09-01.

Conditions:
Autosomal dominant limb-girdle muscular dystrophy type 1G (LGMDD3). Also called: MUSCULAR DYSTROPHY, LIMB-GIRDLE, AUTOSOMAL DOMINANT 3; Limb-girdle muscular dystrophy, type 1G. Identifiers: Orphanet 55596, MedGen C1836765, MONDO:0012193, OMIM 609115.

Allele frequency attached by ClinVar (database versions not stated): 1000 Genomes Project 30x 0.00125; 1000 Genomes Project 0.00200; TOPMed 0.00404; gnomAD exomes 0.00412 and 0.00542; gnomAD 0.00427 and 0.00443; ExAC 0.00430.
gnomAD v4.1: 7,560 of 1,426,772 alleles (0.53%); highest among the groups gnomAD compares: Non-Finnish European, 0.58%; 25 homozygotes.

Submissions (4):

CeGaT Center for Human Genetics Tuebingen
Classification: Likely benign. Last evaluated: 2025-09-01. Review status: criteria provided, single submitter. Criteria: CeGaT Center For Human Genetics Tuebingen Variant Classification Criteria Version 2. Collection method: clinical testing. Allele origin: germline. Affected: yes. Observed: 7 variant alleles.
Comment: HNRNPDL: BS2

Blueprint Genetics
Classification: Likely benign. Last evaluated: 2024-11-25. Review status: criteria provided, single submitter. Criteria: ACMG Guidelines, 2015. Collection method: clinical testing. Allele origin: germline.

Labcorp Genetics (formerly Invitae), Labcorp
Classification: Benign for Limb-girdle muscular dystrophy, type 1G. Last evaluated: 2019-12-31. Review status: criteria provided, single submitter. Criteria: Invitae Variant Classification Sherloc (09022015). Collection method: clinical testing. Allele origin: germline.

Department of Pathology and Laboratory Medicine, Sinai Health System
Classification: Uncertain significance. Review status: no assertion criteria provided. Collection method: clinical testing. Allele origin: unknown. Affected: yes. Study: The Canadian Open Genetics Repository (COGR). Not counted in ClinVar's aggregate classification.